The following is an entry in ClinVar:

ClinVar aggregate classification (germline): Uncertain significance (1 of 4 stars; one submission).

Allele frequency attached by ClinVar (database versions not stated): gnomAD exomes below 0.00001; ExAC 0.00001; TOPMed 0.00001; gnomAD 0.00003.

Submission:

Labcorp Genetics (formerly Invitae), Labcorp
Classification: Uncertain significance. Last evaluated: 2022-03-20. Review status: criteria provided, single submitter. Criteria: Invitae Variant Classification Sherloc (09022015). Collection method: clinical testing. Allele origin: germline.
Comment: In summary, the available evidence is currently insufficient to determine the role of this variant in disease. Therefore, it has been classified as a Variant of Uncertain Significance. Variants that disrupt the consensus splice site are a relatively common cause of aberrant splicing (PMID: 17576681, 9536098). Algorithms developed to predict the effect of sequence changes on RNA splicing suggest that this variant is not likely to affect RNA splicing. This variant has not been reported in the literature in individuals affected with ITM2B-related conditions. This variant is present in population databases (rs772199465, gnomAD 0.008%). This sequence change falls in intron 4 of the ITM2B gene. It does not directly change the encoded amino acid sequence of the ITM2B protein. It affects a nucleotide within the consensus splice site.

Literature cited by the submitters: PubMed 17576681; PubMed 9536098.

NM_021999.5(ITM2B):c.564+4T>C

Gene: ITM2B (integral membrane protein 2B; plus strand). Cytogenetic location: 13q14.2.
Variant type: single nucleotide variant.
Coding change: c.564+4T>C on transcript NM_021999.5 (MANE Select); 4 bases into the intron after coding-DNA position 564, T replaced by C.
Molecular consequence: intron variant.
Genome position (GRCh38, 1-based): chr13:48,258,240, T>C. VCF-style: chr13-48258240-T-C. GRCh37 (hg19) VCF-style: chr13-48832376-T-C.
Identifiers: ClinVar variation 2113718 (VCV002113718.4), dbSNP rs772199465, ClinGen allele CA6978801.